The following is an entry in ClinVar:

ClinVar aggregate classification (germline): Uncertain significance (1 of 4 stars; one submission).

Submission:

Labcorp Genetics (formerly Invitae), Labcorp
Classification: Uncertain significance. Last evaluated: 2022-06-07. Review status: criteria provided, single submitter. Criteria: Invitae Variant Classification Sherloc (09022015). Collection method: clinical testing. Allele origin: germline.
Comment: In summary, the available evidence is currently insufficient to determine the role of this variant in disease. Therefore, it has been classified as a Variant of Uncertain Significance. This variant disrupts the p.Pro98 amino acid residue in NDP. Other variant(s) that disrupt this residue have been observed in individuals with NDP-related conditions (PMID: 20340138, 22786811, 26130484), which suggests that this may be a clinically significant amino acid residue. Algorithms developed to predict the effect of missense changes on protein structure and function (SIFT, PolyPhen-2, Align-GVGD) all suggest that this variant is likely to be disruptive. This missense change has been observed in individuals with Norrie diseaes (PMID: 22786811; Invitae). This variant is not present in population databases (gnomAD no frequency). This sequence change replaces proline, which is neutral and non-polar, with arginine, which is basic and polar, at codon 98 of the NDP protein (p.Pro98Arg).

Literature cited by the submitters: PubMed 20340138; PubMed 22786811; PubMed 26130484.

NM_000266.4(NDP):c.293C>G (p.Pro98Arg)

Genes: NDP (norrin cystine knot growth factor NDP; minus strand), NDP-AS1 (NDP antisense RNA 1; plus strand). Cytogenetic location: Xp11.3.
Variant type: single nucleotide variant.
Coding change: c.293C>G on transcript NM_000266.4 (MANE Select); coding-DNA position 293, C replaced by G.
Protein change: p.Pro98Arg; replaces proline 98 with arginine.
Molecular consequence: missense variant. On other transcripts: non-coding transcript variant (1).
Genome position (GRCh38, 1-based): chrX:43,949,908, G>C on the plus strand (C>G on the coding strand, the complement: NDP is on the minus strand). VCF-style: chrX-43949908-G-C. GRCh37 (hg19) VCF-style: chrX-43809154-G-C.
Other names: short protein forms P98R.
Identifiers: ClinVar variation 2138557 (VCV002138557.4), dbSNP rs2519314974, ClinGen allele CA413007511.